The following is an entry in ClinVar:

NM_001079866.2(BCS1L):c.258T>C (p.His86=)

Gene: BCS1L (BCS1 ubiquinol-cytochrome c reductase complex chaperone; plus strand). Cytogenetic location: 2q35.
Variant type: single nucleotide variant.
Coding change: c.258T>C on transcript NM_001079866.2 (MANE Select); coding-DNA position 258, T replaced by C.
Protein change: p.His86=; no amino-acid change (histidine 86 retained).
Molecular consequence: synonymous variant. On other transcripts: 5 prime UTR variant (5), non-coding transcript variant (1), intron variant (3).
Genome position (GRCh38, 1-based): chr2:218,661,245, T>C. VCF-style: chr2-218661245-T-C. GRCh37 (hg19) VCF-style: chr2-219525968-T-C.
Other names: c.258T>C, p.His86= (NM_001257342.2, NM_001257343.2, NM_001257344.2 and 10 more transcripts); c.-219T>C (NM_001371453.1, NM_001371454.1, NM_001371455.1 and 2 more transcripts); c.-40-161T>C (NM_001371451.1, NM_001318836.2); c.-41-514T>C (NM_001371452.1).
Identifiers: ClinVar variation 334357 (VCV000334357.34), dbSNP rs886055627, ClinGen allele CA10612819.

ClinVar aggregate classification (germline): Conflicting classifications of pathogenicity. Review status: criteria provided, conflicting classifications (1 of 4 stars). 6 submissions from 4 submitters: Uncertain significance (3); Likely benign (2). 1 of the submissions does not count toward it. Last evaluated 2024-10-01.

Conditions:
GRACILE syndrome (FLNMS). Also called: FELLMAN SYNDROME; FINNISH LETHAL NEONATAL METABOLIC SYNDROME. Identifiers: Orphanet 53693, MedGen C1864002, MONDO:0011308, OMIM 603358.
Leigh syndrome (NULS). Also called: Leigh Syndrome (mtDNA deletion); LEIGH SYNDROME, NUCLEAR; Leigh's necrotizing encephalopathy; Leigh's disease; Leigh's syndrome; Leigh Disease. Identifiers: Orphanet 506, MedGen C2931891, MONDO:0009723, OMIM 256000.
Mitochondrial complex III deficiency nuclear type 1. Identifiers: Orphanet 254902, MedGen C3541471, MONDO:0007415, OMIM 124000.

Allele frequency attached by ClinVar (database versions not stated): gnomAD exomes below 0.00001; gnomAD 0.00001; TOPMed 0.00002.
gnomAD v4.1: 8 of 1,613,910 alleles (0.0005%); highest among the groups gnomAD compares: Middle Eastern, 0.033%; no homozygotes.

Submissions (6):

CeGaT Center for Human Genetics Tuebingen
Classification: Likely benign. Last evaluated: 2024-10-01. Review status: criteria provided, single submitter. Criteria: CeGaT Center For Human Genetics Tuebingen Variant Classification Criteria Version 2. Collection method: clinical testing. Allele origin: germline. Affected: yes. Observed: 1 variant allele.
Comment: BCS1L: BP4, BP7

Labcorp Genetics (formerly Invitae), Labcorp
Classification: Likely benign. Last evaluated: 2024-02-04. Review status: criteria provided, single submitter. Criteria: Invitae Variant Classification Sherloc (09022015). Collection method: clinical testing. Allele origin: germline.

Illumina Laboratory Services, Illumina
Classification: Uncertain significance for GRACILE syndrome. Last evaluated: 2018-01-13. Review status: criteria provided, single submitter. Criteria: ICSL Variant Classification Criteria 13 December 2019. Collection method: clinical testing. Allele origin: germline.

Illumina Laboratory Services, Illumina
Classification: Uncertain significance for Mitochondrial complex III deficiency nuclear type 1. Last evaluated: 2018-01-13. Review status: criteria provided, single submitter. Criteria: ICSL Variant Classification Criteria 13 December 2019. Collection method: clinical testing. Allele origin: germline.

Illumina Laboratory Services, Illumina
Classification: Uncertain significance for Leigh syndrome. Last evaluated: 2018-01-13. Review status: criteria provided, single submitter. Criteria: ICSL Variant Classification Criteria 13 December 2019. Collection method: clinical testing. Allele origin: germline.

Natera, Inc.
Classification: Likely benign for GRACILE syndrome. Last evaluated: 2020-09-22. Review status: no assertion criteria provided. Collection method: clinical testing. Allele origin: germline. Not counted in ClinVar's aggregate classification.